The following is an entry in ClinVar:

ClinVar aggregate classification (germline): Likely pathogenic (1 of 4 stars; one submission).

Conditions:
Congenital contractural arachnodactyly (CCA). Also called: BEALS SYNDROME; Beals-Hecht syndrome; Arthrogryposis, distal, type 9. Identifiers: Orphanet 115, MedGen C0220668, MONDO:0007363, OMIM 121050.

Submission:

Juno Genomics, Hangzhou Juno Genomics, Inc
Classification: Likely pathogenic for Congenital contractural arachnodactyly. Review status: criteria provided, single submitter. Criteria: ACMG Guidelines, 2015. Collection method: clinical testing. Allele origin: germline. Affected: yes.
Comment: Absent from controls (or at extremely low frequency if recessive) in Genome Aggregation Database.;Null variant in a gene where loss of function (LOF) is a known mechanism of disease.;Assumed de novo, but without confirmation of paternity and maternity.;Patient's phenotype or family history is highly specific for a disease with a single genetic etiology.

NM_001999.4(FBN2):c.4346-2del

Gene: FBN2 (fibrillin 2; minus strand). Cytogenetic location: 5q23.3.
Variant type: Deletion.
Coding change: c.4346-2del on transcript NM_001999.4 (MANE Select); the canonical splice acceptor site of the intron before coding-DNA position 4346, one base deleted (A; older notation c.4346-2delA).
Molecular consequence: splice acceptor variant.
Genome position (GRCh38, 1-based): chr5:128,328,823, T deleted on the plus strand (A on the coding strand, the reverse complement: FBN2 is on the minus strand). VCF-style (leftmost placement, unchanged base first): chr5-128328822-CT-C. GRCh37 (hg19) VCF-style: chr5-127664514-CT-C.
Identifiers: ClinVar variation 4531233 (VCV004531233.2).